The following is an entry in ClinVar:

ClinVar aggregate classification (germline): Conflicting classifications of pathogenicity. Review status: criteria provided, conflicting classifications (1 of 4 stars). 3 submissions from 3 submitters: Uncertain significance (1); Benign (1); Likely benign (1). Last evaluated 2026-01-20.

Conditions:
Surfactant metabolism dysfunction, pulmonary, 5 (SMDP5). Also called: PULMONARY ALVEOLAR PROTEINOSIS 5; PAP DUE TO CSF2RB DEFICIENCY; CSF2RB DEFICIENCY. Identifiers: Orphanet 264675, MedGen C3280574, MONDO:0013712, OMIM 614370.

Allele frequency attached by ClinVar (database versions not stated): gnomAD 0.00001 and 0.00017; TOPMed 0.00005; gnomAD exomes 0.00087; ExAC 0.00109; 1000 Genomes Project 30x 0.00156; 1000 Genomes Project 0.00180.
gnomAD v4.1: 572 of 1,614,172 alleles (0.035%); highest among the groups gnomAD compares: South Asian, 0.57%; 6 homozygotes.

Submissions (3):

Labcorp Genetics (formerly Invitae), Labcorp
Classification: Benign. Last evaluated: 2026-01-20. Review status: criteria provided, single submitter. Criteria: Invitae Variant Classification Sherloc (09022015). Collection method: clinical testing. Allele origin: germline.

Blueprint Genetics
Classification: Likely benign. Last evaluated: 2024-09-30. Review status: criteria provided, single submitter. Criteria: ACMG Guidelines, 2015. Collection method: clinical testing. Allele origin: germline.

Center for Genomics, Ann and Robert H. Lurie Children's Hospital of Chicago
Classification: Uncertain significance for Surfactant metabolism dysfunction, pulmonary, 5. Last evaluated: 2021-03-17. Review status: criteria provided, single submitter. Criteria: ACMG Guidelines, 2015. Collection method: clinical testing. Allele origin: germline.
Comment: CSF2RB NM_000395.2 exon 14 p.Gly831Ser (c.2491G>A): This variant has not been reported in the literature but is present in 0.002% (1/41450) of African alleles in the Genome Aggregation Database. Evolutionary conservation and computational predictive tools suggest that this variant may not impact the protein. In summary, data on this variant is insufficient for disease classification. Therefore, the clinical significance of this variant is uncertain.

NM_000395.3(CSF2RB):c.2491G>A (p.Gly831Ser)

Gene: CSF2RB (colony stimulating factor 2 receptor subunit beta; plus strand). Cytogenetic location: 22q12.3.
Variant type: single nucleotide variant.
Coding change: c.2491G>A on transcript NM_000395.3 (MANE Select); coding-DNA position 2491, G replaced by A.
Protein change: p.Gly831Ser; replaces glycine 831 with serine.
Molecular consequence: missense variant.
Genome position (GRCh38, 1-based): chr22:36,938,299, G>A. VCF-style: chr22-36938299-G-A. GRCh37 (hg19) VCF-style: chr22-37334341-G-A.
Other names: short protein forms G831S.
Identifiers: ClinVar variation 1569485 (VCV001569485.9), dbSNP rs558205050, ClinGen allele CA10214136.